The following is an entry in ClinVar:

ClinVar aggregate classification (germline): Uncertain significance. Review status: criteria provided, multiple submitters, no conflicts (2 of 4 stars). 3 submissions from 3 submitters: Uncertain significance (3). Last evaluated 2025-05-19.

Conditions:
Inborn genetic diseases. Identifiers: MedGen C0950123, MeSH D030342.

Allele frequency attached by ClinVar (database versions not stated): gnomAD exomes below 0.00001.
gnomAD v4.1: 7 of 1,613,048 alleles (0.00043%); highest among the groups gnomAD compares: East Asian, 0.0022%; no homozygotes.

Submissions (3):

Women's Health and Genetics/Laboratory Corporation of America, LabCorp
Classification: Uncertain significance. Last evaluated: 2025-05-19. Review status: criteria provided, single submitter. Criteria: LabCorp Variant Classification Summary - May 2015. Collection method: clinical testing. Allele origin: germline.
Comment: Variant summary: HPS3 c.2938G>A (p.Val980Ile) results in a conservative amino acid change in the encoded protein sequence. Algorithms developed to predict the effect of missense changes on protein structure and function all suggest that this variant is likely to be tolerated. The variant was absent in 251346 control chromosomes (gnomAD). The available data on variant occurrences in the general population are insufficient to allow any conclusion about variant significance. To our knowledge, no occurrence of c.2938G>A in individuals affected with Hermansky-Pudlak Syndrome and no experimental evidence demonstrating its impact on protein function have been reported. ClinVar contains an entry for this variant (Variation ID: 2156442). Based on the evidence outlined above, the variant was classified as uncertain significance.

Labcorp Genetics (formerly Invitae), Labcorp
Classification: Uncertain significance. Last evaluated: 2022-10-04. Review status: criteria provided, single submitter. Criteria: Invitae Variant Classification Sherloc (09022015). Collection method: clinical testing. Allele origin: germline.
Comment: This sequence change replaces valine, which is neutral and non-polar, with isoleucine, which is neutral and non-polar, at codon 980 of the HPS3 protein (p.Val980Ile). This variant is not present in population databases (gnomAD no frequency). This variant has not been reported in the literature in individuals affected with HPS3-related conditions. Advanced modeling of protein sequence and biophysical properties (such as structural, functional, and spatial information, amino acid conservation, physicochemical variation, residue mobility, and thermodynamic stability) performed at Invitae indicates that this missense variant is not expected to disrupt HPS3 protein function. In summary, the available evidence is currently insufficient to determine the role of this variant in disease. Therefore, it has been classified as a Variant of Uncertain Significance.

Ambry Genetics
Classification: Uncertain significance for Inborn genetic diseases. Last evaluated: 2022-03-16. Review status: criteria provided, single submitter. Criteria: Ambry Variant Classification Scheme 2023. Collection method: clinical testing. Allele origin: germline.

NM_032383.5(HPS3):c.2938G>A (p.Val980Ile)

Genes: CP (ceruloplasmin; minus strand), HPS3 (HPS3 biogenesis of lysosomal organelles complex 2 subunit 1; plus strand). Cytogenetic location: 3q24.
Variant type: single nucleotide variant.
Coding change: c.2938G>A on transcript NM_032383.5 (MANE Select); coding-DNA position 2938, G replaced by A.
Protein change: p.Val980Ile; replaces valine 980 with isoleucine.
Molecular consequence: missense variant.
Genome position (GRCh38, 1-based): chr3:149,172,145, G>A. VCF-style: chr3-149172145-G-A. GRCh37 (hg19) VCF-style: chr3-148889932-G-A.
Other names: c.2443G>A, p.Val815Ile (NM_001308258.2); c.2938G>A (NM_032383.3); short protein forms V815I, V980I.
Identifiers: ClinVar variation 2156442 (VCV002156442.3), dbSNP rs2472706921, ClinGen allele CA354927150.